The following is an entry in ClinVar:

NM_015178.3(RHOBTB2):c.1320G>C (p.Glu440Asp)

Gene: RHOBTB2 (Rho related BTB domain containing 2; plus strand). Cytogenetic location: 8p21.3.
Variant type: single nucleotide variant.
Coding change: c.1320G>C on transcript NM_015178.3 (MANE Select); coding-DNA position 1320, G replaced by C.
Protein change: p.Glu440Asp; replaces glutamic acid 440 with aspartic acid.
Molecular consequence: missense variant.
Genome position (GRCh38, 1-based): chr8:23,007,565, G>C. VCF-style: chr8-23007565-G-C. GRCh37 (hg19) VCF-style: chr8-22865078-G-C.
Other names: c.1386G>C, p.Glu462Asp (NM_001160036.2); c.1341G>C, p.Glu447Asp (NM_001160037.2); c.1320G>C, p.Glu440Asp (NM_001374791.1); short protein forms E440D, E447D, E462D.
Identifiers: ClinVar variation 1304158 (VCV001304158.2), dbSNP rs2128804959, ClinGen allele CA370568341.

ClinVar aggregate classification (germline): Uncertain significance (1 of 4 stars; one submission).

Allele frequency attached by ClinVar (database versions not stated): gnomAD exomes below 0.00001.
gnomAD v4.1: 1 of 1,614,220 alleles (0.000062%); highest among the groups gnomAD compares: Non-Finnish European, 0.000085%; no homozygotes.

Submission:

GeneDx
Classification: Uncertain significance. Last evaluated: 2021-04-13. Review status: criteria provided, single submitter. Criteria: GeneDx Variant Classification Process June 2021. Collection method: clinical testing. Allele origin: germline. Affected: yes.
Comment: Not observed in large population cohorts (Lek et al., 2016); In silico analysis supports that this missense variant does not alter protein structure/function; Has not been previously published as pathogenic or benign to our knowledge